The following is an entry in ClinVar:

ClinVar aggregate classification (germline): Uncertain significance (1 of 4 stars; one submission).

Conditions:
Hereditary spastic paraplegia 2 (SPG2). Also called: SPASTIC PARAPLEGIA 2, X-LINKED; Spastic Paraplegia 2 (SPG2). Identifiers: Orphanet 99015, MedGen C0751604, MONDO:0010733, OMIM 312920.

Submission:

Labcorp Genetics (formerly Invitae), Labcorp
Classification: Uncertain significance for Hereditary spastic paraplegia 2. Last evaluated: 2021-11-10. Review status: criteria provided, single submitter. Criteria: Invitae Variant Classification Sherloc (09022015). Collection method: clinical testing. Allele origin: germline.
Comment: Algorithms developed to predict the effect of missense changes on protein structure and function are either unavailable or do not agree on the potential impact of this missense change (SIFT: "Not Available"; PolyPhen-2: "Probably Damaging"; Align-GVGD: "Not Available"). This variant has not been reported in the literature in individuals affected with PLP1-related conditions. This variant is not present in population databases (gnomAD no frequency). This sequence change replaces isoleucine, which is neutral and non-polar, with asparagine, which is neutral and polar, at codon 65 of the PLP1 protein (p.Ile65Asn). In summary, the available evidence is currently insufficient to determine the role of this variant in disease. Therefore, it has been classified as a Variant of Uncertain Significance.

NM_000533.5(PLP1):c.194T>A (p.Ile65Asn)

Genes: PLP1 (proteolipid protein 1; plus strand), RAB9B (RAB9B, member RAS oncogene family; minus strand). Cytogenetic location: Xq22.2.
Variant type: single nucleotide variant.
Coding change: c.194T>A on transcript NM_000533.5 (MANE Select); coding-DNA position 194, T replaced by A.
Protein change: p.Ile65Asn; replaces isoleucine 65 with asparagine.
Molecular consequence: missense variant.
Genome position (GRCh38, 1-based): chrX:103,786,467, T>A. VCF-style: chrX-103786467-T-A. GRCh37 (hg19) VCF-style: chrX-103041396-T-A.
Other names: c.194T>A, p.Ile65Asn (NM_001128834.3, NM_199478.3); c.29T>A, p.Ile10Asn (NM_001305004.1); short protein forms I10N, I65N.
Identifiers: ClinVar variation 1425331 (VCV001425331.6), dbSNP rs1191076247, ClinGen allele CA414102397.